The following is an entry in ClinVar:

NM_000346.4(SOX9):c.323C>T (p.Pro108Leu)

Genes: SOX9 (SRY-box transcription factor 9; plus strand), LOC108021846 (SOX9 promoter region; plus strand). Cytogenetic location: 17q24.3.
Variant type: single nucleotide variant.
Coding change: c.323C>T on transcript NM_000346.4 (MANE Select); coding-DNA position 323, C replaced by T.
Protein change: p.Pro108Leu; replaces proline 108 with leucine.
Molecular consequence: missense variant.
Genome position (GRCh38, 1-based): chr17:72,121,714, C>T. VCF-style: chr17-72121714-C-T. GRCh37 (hg19) VCF-style: chr17-70117855-C-T.
Other names: short protein forms P108L.
Identifiers: ClinVar variation 3906407 (VCV003906407.1).

ClinVar aggregate classification (germline): Pathogenic (1 of 4 stars; one submission).

Submission:

GeneDx
Classification: Pathogenic. Last evaluated: 2024-12-16. Review status: criteria provided, single submitter. Criteria: GeneDx Variant Classification Process June 2021. Collection method: clinical testing. Allele origin: germline. Affected: yes.
Comment: Not observed at significant frequency in large population cohorts (gnomAD); In silico analysis supports that this missense variant has a deleterious effect on protein structure/function; This variant is associated with the following publications: (PMID: 9002675, 20812307, 16407370, 34073089, 27804859)